The following is an entry in ClinVar:

NM_000355.4(TCN2):c.970C>T (p.Pro324Ser)

Gene: TCN2 (transcobalamin 2; plus strand). Cytogenetic location: 22q12.2.
Variant type: single nucleotide variant.
Coding change: c.970C>T on transcript NM_000355.4 (MANE Select); coding-DNA position 970, C replaced by T.
Protein change: p.Pro324Ser; replaces proline 324 with serine.
Molecular consequence: missense variant.
Genome position (GRCh38, 1-based): chr22:30,617,359, C>T. VCF-style: chr22-30617359-C-T. GRCh37 (hg19) VCF-style: chr22-31013346-C-T.
Other names: c.889C>T, p.Pro297Ser (NM_001184726.2); short protein forms P324S, P297S.
Identifiers: ClinVar variation 1424469 (VCV001424469.6), dbSNP rs149299209, ClinGen allele CA10184923.

ClinVar aggregate classification (germline): Conflicting classifications of pathogenicity. Review status: criteria provided, conflicting classifications (1 of 4 stars). 2 submissions from 2 submitters: Uncertain significance (1); Likely benign (1). Last evaluated 2024-11-07.

Conditions:
Transcobalamin II deficiency (TCN2D). Also called: TC II DEFICIENCY; TCN2 DEFICIENCY; Transcolabamin II deficiency. Identifiers: Orphanet 859, MedGen C0342701, MONDO:0010149, OMIM 275350.

Allele frequency attached by ClinVar (database versions not stated): gnomAD exomes 0.00004 and 0.00007; gnomAD 0.00005; TOPMed 0.00005; ExAC 0.00007; ESP Exome Variant Server 0.00008.
gnomAD v4.1: 71 of 1,614,054 alleles (0.0044%); highest among the groups gnomAD compares: South Asian, 0.0011%; no homozygotes.

Submissions (2):

Blueprint Genetics
Classification: Likely benign. Last evaluated: 2024-11-07. Review status: criteria provided, single submitter. Criteria: ACMG Guidelines, 2015. Collection method: clinical testing. Allele origin: germline.

Labcorp Genetics (formerly Invitae), Labcorp
Classification: Uncertain significance for Transcobalamin II deficiency. Last evaluated: 2021-08-27. Review status: criteria provided, single submitter. Criteria: Invitae Variant Classification Sherloc (09022015). Collection method: clinical testing. Allele origin: germline.
Comment: This sequence change replaces proline with serine at codon 324 of the TCN2 protein (p.Pro324Ser). The proline residue is weakly conserved and there is a moderate physicochemical difference between proline and serine. This variant is present in population databases (rs149299209, ExAC 0.02%). This variant has not been reported in the literature in individuals affected with TCN2-related conditions. Algorithms developed to predict the effect of missense changes on protein structure and function output the following: SIFT: "Tolerated"; PolyPhen-2: "Benign"; Align-GVGD: "Class C0". The serine amino acid residue is found in multiple mammalian species, which suggests that this missense change does not adversely affect protein function. In summary, the available evidence is currently insufficient to determine the role of this variant in disease. Therefore, it has been classified as a Variant of Uncertain Significance.